The following is an entry in ClinVar:

NM_001371623.1(TCOF1):c.3893del (p.Gln1298fs)

Gene: TCOF1 (treacle ribosome biogenesis factor 1; plus strand). Cytogenetic location: 5q32.
Variant type: Deletion.
Coding change: c.3893del on transcript NM_001371623.1 (MANE Select); coding-DNA position 3893, one base deleted (A; older notation c.3893delA).
Protein change: p.Gln1298fs; shifts the reading frame from glutamine 1298.
Molecular consequence: frameshift variant.
Genome position (GRCh38, 1-based): chr5:150,396,390, A deleted. VCF-style (leftmost placement, unchanged base first): chr5-150396389-CA-C. GRCh37 (hg19) VCF-style: chr5-149775952-CA-C.
Other names: c.3662del, p.Gln1221fs (NM_001135245.2); c.3776del, p.Gln1259fs (NM_001195141.2); c.3659del, p.Gln1220fs (NM_001437406.1, NM_000356.4); c.3890del, p.Gln1297fs (NM_001135243.2); c.3779del, p.Gln1260fs (NM_001135244.2); short protein forms Q1220fs, Q1221fs, Q1259fs, Q1260fs, Q1297fs, Q1298fs.
Identifiers: ClinVar variation 4076249 (VCV004076249.1).

ClinVar aggregate classification (germline): Likely pathogenic (1 of 4 stars; one submission).

Conditions:
Treacher Collins syndrome 1 (TCS1). Also called: TCOF1-Related Treacher Collins Syndrome. Identifiers: Orphanet 861, MedGen CN315775, MONDO:0007944, OMIM 154500.

Submission:

Laboratorio de Genetica e Diagnostico Molecular, Hospital Israelita Albert Einstein
Classification: Likely pathogenic for Treacher Collins syndrome 1. Last evaluated: 2025-02-27. Review status: criteria provided, single submitter. Criteria: ACMG Guidelines, 2015. Collection method: clinical testing. Allele origin: germline. Affected: yes.
Comment: ACMG classification criteria: PVS1 very strong, PM2 supporting